The following is an entry in ClinVar:

ClinVar aggregate classification (germline): Uncertain significance (1 of 4 stars; one submission).

Submission:

Labcorp Genetics (formerly Invitae), Labcorp
Classification: Uncertain significance. Last evaluated: 2024-10-08. Review status: criteria provided, single submitter. Criteria: Invitae Variant Classification Sherloc (09022015). Collection method: clinical testing. Allele origin: germline.
Comment: This sequence change replaces glycine, which is neutral and non-polar, with valine, which is neutral and non-polar, at codon 244 of the MYO18B protein (p.Gly244Val). This variant is not present in population databases (gnomAD no frequency). This variant has not been reported in the literature in individuals affected with MYO18B-related conditions. An algorithm developed to predict the effect of missense changes on protein structure and function (PolyPhen-2) suggests that this variant¬†is likely to be tolerated. In summary, the available evidence is currently insufficient to determine the role of this variant in disease. Therefore, it has been classified as a Variant of Uncertain Significance.

NM_032608.7(MYO18B):c.731G>T (p.Gly244Val)

Gene: MYO18B (myosin XVIIIB; plus strand). Cytogenetic location: 22q12.1.
Variant type: single nucleotide variant.
Coding change: c.731G>T on transcript NM_032608.7 (MANE Select); coding-DNA position 731, G replaced by T.
Protein change: p.Gly244Val; replaces glycine 244 with valine.
Molecular consequence: missense variant.
Genome position (GRCh38, 1-based): chr22:25,768,647, G>T. VCF-style: chr22-25768647-G-T. GRCh37 (hg19) VCF-style: chr22-26164614-G-T.
Other names: c.731G>T, p.Gly244Val (NM_001318245.2); short protein forms G244V.
Identifiers: ClinVar variation 3698613 (VCV003698613.1).